The following is an entry in ClinVar:

NM_007375.4(TARDBP):c.1141G>A (p.Ala381Thr)

Gene: TARDBP (TAR DNA binding protein; plus strand). Cytogenetic location: 1p36.22.
Variant type: single nucleotide variant.
Coding change: c.1141G>A on transcript NM_007375.4 (MANE Select); coding-DNA position 1141, G replaced by A.
Protein change: p.Ala381Thr; replaces alanine 381 with threonine.
Molecular consequence: missense variant.
Genome position (GRCh38, 1-based): chr1:11,022,550, G>A. VCF-style: chr1-11022550-G-A. GRCh37 (hg19) VCF-style: chr1-11082607-G-A.
Other names: short protein forms A381T.
Identifiers: ClinVar variation 2926575 (VCV002926575.3), dbSNP rs1643662571, ClinGen allele CA338368306.

ClinVar aggregate classification (germline): Uncertain significance (1 of 4 stars; one submission).

Conditions:
Amyotrophic lateral sclerosis type 10 (ALS10). Also called: Amyotrophic lateral sclerosis 10, with or without FTD; AMYOTROPHIC LATERAL SCLEROSIS 10 WITHOUT FRONTOTEMPORAL DEMENTIA AND WITH TDP43 INCLUSIONS; AMYOTROPHIC LATERAL SCLEROSIS 10 WITH OR WITHOUT FRONTOTEMPORAL DEMENTIA AND WITH TDP43 INCLUSIONS; AMYOTROPHIC LATERAL SCLEROSIS 10 WITH OR WITHOUT FRONTOTEMPORAL DEMENTIA; TARDBP-Related Amyotrophic Lateral Sclerosis-Frontotemporal Dementia. Identifiers: Orphanet 275872, Orphanet 803, MedGen C2677565, MONDO:0012790, OMIM 612069.
FRONTOTEMPORAL LOBAR DEGENERATION WITH TDP43 INCLUSIONS, TARDBP-RELATED. Also called: Frontotemporal lobar degeneration, TARDBP-related. Identifiers: MedGen C3150169, OMIM 612069.

Allele frequency attached by ClinVar (database versions not stated): TOPMed below 0.00001.
gnomAD v4.1: 2 of 1,581,196 alleles (0.00013%); no homozygotes.

Submission:

Labcorp Genetics (formerly Invitae), Labcorp
Classification: Uncertain significance for Amyotrophic lateral sclerosis type 10; FRONTOTEMPORAL LOBAR DEGENERATION WITH TDP43 INCLUSIONS, TARDBP-RELATED. Last evaluated: 2024-12-12. Review status: criteria provided, single submitter. Criteria: Invitae Variant Classification Sherloc (09022015). Collection method: clinical testing. Allele origin: germline.
Comment: This sequence change replaces alanine, which is neutral and non-polar, with threonine, which is neutral and polar, at codon 381 of the TARDBP protein (p.Ala381Thr). This variant is not present in population databases (gnomAD no frequency). This variant has not been reported in the literature in individuals affected with TARDBP-related conditions. ClinVar contains an entry for this variant (Variation ID: 2926575). An algorithm developed to predict the effect of missense changes on protein structure and function (PolyPhen-2) suggests that this variant is likely to be tolerated. In summary, the available evidence is currently insufficient to determine the role of this variant in disease. Therefore, it has been classified as a Variant of Uncertain Significance.